The following is an entry in ClinVar:

ClinVar aggregate classification (germline): Likely benign. Review status: criteria provided, multiple submitters, no conflicts (2 of 4 stars). 2 submissions from 2 submitters: Likely benign (2). Last evaluated 2024-03-26.

Allele frequency attached by ClinVar (database versions not stated): gnomAD exomes below 0.00001; ExAC 0.00001.
gnomAD v4.1: 6 of 1,613,896 alleles (0.00037%); highest among the groups gnomAD compares: Middle Eastern, 0.066%; 1 homozygote.

Submissions (2):

Blueprint Genetics
Classification: Likely benign. Last evaluated: 2024-03-26. Review status: criteria provided, single submitter. Criteria: ACMG Guidelines, 2015. Collection method: clinical testing. Allele origin: germline.

GeneDx
Classification: Likely benign. Last evaluated: 2017-10-26. Review status: criteria provided, single submitter. Criteria: GeneDx Variant Classification (06012015). Collection method: clinical testing. Allele origin: germline. Affected: yes.
Comment: This variant is considered likely benign or benign based on one or more of the following criteria: it is a conservative change, it occurs at a poorly conserved position in the protein, it is predicted to be benign by multiple in silico algorithms, and/or has population frequency not consistent with disease.

NM_020247.5(COQ8A):c.1833G>A (p.Arg611=)

Gene: COQ8A (coenzyme Q8A; plus strand). Cytogenetic location: 1q42.13.
Variant type: single nucleotide variant.
Coding change: c.1833G>A on transcript NM_020247.5 (MANE Select); coding-DNA position 1833, G replaced by A.
Protein change: p.Arg611=; no amino-acid change (arginine 611 retained).
Molecular consequence: synonymous variant.
Genome position (GRCh38, 1-based): chr1:226,986,626, G>A. VCF-style: chr1-226986626-G-A. GRCh37 (hg19) VCF-style: chr1-227174327-G-A.
Identifiers: ClinVar variation 512661 (VCV000512661.2), dbSNP rs753431843, ClinGen allele CA1425687.